The following is an entry in ClinVar:

ClinVar aggregate classification (germline): Uncertain significance (1 of 4 stars; one submission).

Submission:

Labcorp Genetics (formerly Invitae), Labcorp
Classification: Uncertain significance. Last evaluated: 2020-08-16. Review status: criteria provided, single submitter. Criteria: Invitae Variant Classification Sherloc (09022015). Collection method: clinical testing. Allele origin: germline.
Comment: This sequence change replaces glutamic acid with glutamine at codon 4280 of the ADGRV1 protein (p.Glu4280Gln). The glutamic acid residue is highly conserved and there is a small physicochemical difference between glutamic acid and glutamine. In summary, the available evidence is currently insufficient to determine the role of this variant in disease. Therefore, it has been classified as a Variant of Uncertain Significance. Algorithms developed to predict the effect of missense changes on protein structure and function (SIFT, PolyPhen-2, Align-GVGD) all suggest that this variant is likely to be disruptive, but these predictions have not been confirmed by published functional studies and their clinical significance is uncertain. This variant has not been reported in the literature in individuals with ADGRV1-related conditions. This variant is not present in population databases (ExAC no frequency).

NM_032119.4(ADGRV1):c.12838G>C (p.Glu4280Gln)

Gene: ADGRV1 (adhesion G protein-coupled receptor V1; plus strand). Cytogenetic location: 5q14.3.
Variant type: single nucleotide variant.
Coding change: c.12838G>C on transcript NM_032119.4 (MANE Select); coding-DNA position 12838, G replaced by C.
Protein change: p.Glu4280Gln; replaces glutamic acid 4280 with glutamine.
Molecular consequence: missense variant. On other transcripts: non-coding transcript variant (1).
Genome position (GRCh38, 1-based): chr5:90,778,598, G>C. VCF-style: chr5-90778598-G-C. GRCh37 (hg19) VCF-style: chr5-90074415-G-C.
Other names: short protein forms E4280Q.
Identifiers: ClinVar variation 1053856 (VCV001053856.9), dbSNP rs2150079523, ClinGen allele CA360388676.